The following is an entry in ClinVar:

ClinVar aggregate classification (germline): Conflicting classifications of pathogenicity. Review status: criteria provided, conflicting classifications (1 of 4 stars). 6 submissions from 6 submitters: Uncertain significance (2); Likely benign (2). 2 of the submissions do not count toward it. Last evaluated 2025-12-05.

Conditions:
Dyskeratosis congenita. Identifiers: Orphanet 1775, MedGen C0265965, MONDO:0015780.
Pulmonary fibrosis and/or bone marrow failure, Telomere-related, 3. Also called: PULMONARY FIBROSIS AND/OR BONE MARROW FAILURE SYNDROME, TELOMERE-RELATED, 3. Identifiers: Orphanet 2032, MedGen C4225346, MONDO:0014613, OMIM 616373.
Dyskeratosis congenita, autosomal recessive 5 (DKCB5). Identifiers: MedGen C3554656, MONDO:0014076, OMIM 615190.
RTEL1-related disorder. Also called: RTEL1-related condition; RTEL1-related disorders.

Allele frequency attached by ClinVar (database versions not stated): gnomAD exomes 0.00004 and 0.00013; ExAC 0.00020; gnomAD 0.00062 and 0.00066; TOPMed 0.00062; ESP Exome Variant Server 0.00069; 1000 Genomes Project 30x 0.00109; 1000 Genomes Project 0.00120.
gnomAD v4.1: 160 of 1,612,630 alleles (0.0099%); highest among the groups gnomAD compares: African/African-American, 0.19%; no homozygotes.

Submissions (6):

Labcorp Genetics (formerly Invitae), Labcorp
Classification: Likely benign for Dyskeratosis congenita, autosomal recessive 5; Pulmonary fibrosis and/or bone marrow failure, Telomere-related, 3. Last evaluated: 2025-12-05. Review status: criteria provided, single submitter. Criteria: Invitae Variant Classification Sherloc (09022015). Collection method: clinical testing. Allele origin: germline.

Women's Health and Genetics/Laboratory Corporation of America, LabCorp
Classification: Likely benign. Last evaluated: 2025-10-29. Review status: criteria provided, single submitter. Criteria: LabCorp Variant Classification Summary - May 2015. Collection method: clinical testing. Allele origin: germline.
Comment: Variant summary: RTEL1 c.2896G>A (p.Asp966Asn) results in a conservative amino acid change located in the first harmonin homology domain (IPR049909) of the encoded protein sequence. Algorithms developed to predict the effect of missense changes on protein structure and function are either unavailable or do not agree on the potential impact of this missense change. The variant allele was found at a frequency of 0.00019 in 280882 control chromosomes, predominantly at a frequency of 0.0021 within the African or African-American subpopulation in the gnomAD database. The observed variant frequency within African or African-American control individuals in the gnomAD database exceeds the estimated maximal expected allele frequency for disease-causing variants in RTEL1. c.2896G>A has been observed in heterozygous state in individuals affected with various phenotypes, including acute myeloid leukemia (AML) and rheumatoid arthritis-associated interstitial lung disease (e.g. Juge_2017 , Marsh_2018). These report(s) do not provide unequivocal conclusions about association of the variant with Dyskeratosis Congenita (Hoyeraal Hreidarsson Syndrome). To our knowledge, no experimental evidence demonstrating an impact on protein function has been reported. The following publications have been ascertained in the context of this evaluation (PMID: 28495692, 29344583). ClinVar contains an entry for this variant (Variation ID: 710160). Based on the evidence outlined above, the variant was classified as likely benign.

GeneDx
Classification: Uncertain significance. Last evaluated: 2024-09-03. Review status: criteria provided, single submitter. Criteria: GeneDx Variant Classification Process June 2021. Collection method: clinical testing. Allele origin: germline. Affected: yes.
Comment: In silico analysis supports that this missense variant has a deleterious effect on protein structure/function; Observed in an individual with acute myeloid leukemia, reported as c.2824G>A p.(D942N) using alternate nomenclature (PMID: 29344583); This variant is associated with the following publications: (PMID: 28495692, 29344583)

Sema4
Classification: Uncertain significance for Dyskeratosis congenita. Last evaluated: 2022-01-21. Review status: criteria provided, single submitter. Criteria: Sema4 Curation Guidelines. Collection method: curation. Allele origin: germline.
Comment: The RTEL1 c.2824G>A (p.D942N) variant has not been reported in the literature to our knowledge. It was observed in 51/24792 chromosomes of the African/African American (AFR) subpopulation in the large and broad cohorts of the Genome Aggregation Database (PMID: 32461654). This variant has been reported in ClinVar (Variation ID 710160). Functional studies have not been performed, and in silico predictions of the variant's effect on protein function are inconclusive. The evidence is insufficient to meet ACMG/AMP criteria for classifying the variant as benign or pathogenic. Thus, the clinical significance of this variant is currently uncertain.

PreventionGenetics, part of Exact Sciences
Classification: Likely benign for RTEL1-related condition. Last evaluated: 2023-07-27. Review status: no assertion criteria provided. Collection method: clinical testing. Allele origin: germline. Not counted in ClinVar's aggregate classification.
Comment: This variant is classified as likely benign based on ACMG/AMP sequence variant interpretation guidelines (Richards et al. 2015 PMID: 25741868, with internal and published modifications).

Natera, Inc.
Classification: Likely benign for Dyskeratosis congenita. Last evaluated: 2020-02-11. Review status: no assertion criteria provided. Collection method: clinical testing. Allele origin: germline. Not counted in ClinVar's aggregate classification.

Literature cited by the submitters: PubMed 28495692 (cited by Women's Health and Genetics/Laboratory Corporation of America, LabCorp); PubMed 29344583 (cited by Women's Health and Genetics/Laboratory Corporation of America, LabCorp).

NM_001283009.2(RTEL1):c.2824G>A (p.Asp942Asn)

Genes: RTEL1 (regulator of telomere elongation helicase 1; plus strand), RTEL1-TNFRSF6B (RTEL1-TNFRSF6B readthrough (NMD candidate); plus strand). Cytogenetic location: 20q13.33.
Variant type: single nucleotide variant.
Coding change: c.2824G>A on transcript NM_001283009.2 (MANE Select); coding-DNA position 2824, G replaced by A.
Protein change: p.Asp942Asn; replaces aspartic acid 942 with asparagine.
Molecular consequence: missense variant. On other transcripts: non-coding transcript variant (1).
Genome position (GRCh38, 1-based): chr20:63,692,976, G>A. VCF-style: chr20-63692976-G-A. GRCh37 (hg19) VCF-style: chr20-62324329-G-A.
Other names: c.2155G>A, p.Asp719Asn (NM_001283010.1); c.2824G>A, p.Asp942Asn (NM_016434.4); c.2896G>A, p.Asp966Asn (NM_032957.5); c.2896G>A (NM_032957.4); short protein forms D719N, D942N, D966N.
Identifiers: ClinVar variation 710160 (VCV000710160.17), dbSNP rs116247954, ClinGen allele CA9965560.